The following is an entry in ClinVar:

NM_001848.3(COL6A1):c.930+1G>A

Gene: COL6A1 (collagen type VI alpha 1 chain; plus strand). Cytogenetic location: 21q22.3.
Variant type: single nucleotide variant.
Coding change: c.930+1G>A on transcript NM_001848.3 (MANE Select); the canonical splice donor site of the intron after coding-DNA position 930, G replaced by A.
Molecular consequence: splice donor variant.
Genome position (GRCh38, 1-based): chr21:45,989,779, G>A. VCF-style: chr21-45989779-G-A. GRCh37 (hg19) VCF-style: chr21-47409693-G-A.
Other names: c.930+1G>A (NM_001848.2).
Identifiers: ClinVar variation 284560 (VCV000284560.15), dbSNP rs886042902, ClinGen allele CA10604839.
Genomic context (GRCh38, chr21:45,989,779, plus strand): 5'-CTTCCTCTTCCTCTTCTTCCGCTGGGTGTGTAGGGAGAAAAAGGGAGCCGTGGGGAGAAG[G>A]TGAGTGAGGCTCGACCTCGGAGCTGGTCTCTCCAGGCGCAGATGTGCCATCCTGGACGAG-3'

ClinVar aggregate classification (germline): Pathogenic. Review status: criteria provided, multiple submitters, no conflicts (2 of 4 stars). 3 submissions from 3 submitters: Pathogenic (2). 1 of the submissions does not count toward it. Last evaluated 2025-09-01.

Conditions:
COL6A1-related disorder. Also called: COL6A1-related condition.
Bethlem myopathy 1A. Also called: Bethlem myopathy 1; MYOPATHY, BENIGN CONGENITAL, WITH CONTRACTURES; Bethlem Muscular Dystrophy. Identifiers: Orphanet 610, MedGen CN029274, MONDO:0024530, OMIM 158810.

Submissions (3):

Labcorp Genetics (formerly Invitae), Labcorp
Classification: Pathogenic for Bethlem myopathy 1A. Last evaluated: 2025-09-01. Review status: criteria provided, single submitter. Criteria: Invitae Variant Classification Sherloc (09022015). Collection method: clinical testing. Allele origin: germline.
Comment: This sequence change affects a donor splice site in intron 11 of the COL6A1 gene. It is expected to disrupt RNA splicing. Variants that disrupt the donor or acceptor splice site typically lead to a loss of protein function (PMID: 16199547), and loss-of-function variants in COL6A1 are known to be disease-causing for autosomal recessive COL6A1-related conditions (PMID: 21280092, 20976770). However, certain variants affecting donor or acceptor splice sites in the triple helical domain of COL6A1 are expected to result in in-frame exon skipping and have been reported to cause autosomal dominant COL6A1-related conditions (PMID: 18366090). This variant is not present in population databases (gnomAD no frequency). Disruption of this splice site has been observed in individual(s) with clinical features of autosomal dominant COL6A1-related conditions (PMID: 25204870; internal data). In at least one individual the variant was observed to be de novo. ClinVar contains an entry for this variant (Variation ID: 284560). Algorithms developed to predict the effect of sequence changes on RNA splicing suggest that this variant may disrupt the consensus splice site. For these reasons, this variant has been classified as Pathogenic.

Eurofins Ntd Llc (ga)
Classification: Pathogenic. Last evaluated: 2017-01-30. Review status: criteria provided, single submitter. Criteria: EGL Classification Definitions 2015. Collection method: clinical testing. Allele origin: germline. Observed: 9 variant alleles, 9 heterozygotes.

PreventionGenetics, part of Exact Sciences
Classification: Likely pathogenic for COL6A1-related condition. Last evaluated: 2024-02-29. Review status: no assertion criteria provided. Collection method: clinical testing. Allele origin: germline. Not counted in ClinVar's aggregate classification.
Comment: The COL6A1 c.930+1G>A variant is predicted to disrupt the GT donor site and interfere with normal splicing. To our knowledge, this variant has not been reported in the literature or in a large population database, indicating this variant is rare. An alternative splice variant affecting the same GT Donor site (c.930+2T>A) has been reported in two individuals with COL6A1-related myopathy (Table 1, Donkervoort et al. 2015. PubMed ID: 25204870). Variants that disrupt the consensus splice donor site in COL6A1 are expected to be pathogenic. The c.930+1G>A variant is interpreted as likely pathogenic; however, the mode of inheritance is not certain as splice variants have been reported with both autosomal recessive and dominant inheritance.

Literature cited by the submitters: PubMed 16199547 (cited by Labcorp Genetics (formerly Invitae), Labcorp); PubMed 21280092 (cited by Labcorp Genetics (formerly Invitae), Labcorp); PubMed 20976770 (cited by Labcorp Genetics (formerly Invitae), Labcorp); PubMed 18366090 (cited by Labcorp Genetics (formerly Invitae), Labcorp); PubMed 25204870 (cited by Labcorp Genetics (formerly Invitae), Labcorp).